The following is an entry in ClinVar:

ClinVar aggregate classification (germline): Uncertain significance (1 of 4 stars; one submission).

Conditions:
MHC class II deficiency. Also called: Bare lymphocyte syndrome 2; BLS, TYPE II. Identifiers: Orphanet 572, MedGen C5447452, MONDO:0008855.

Allele frequency attached by ClinVar (database versions not stated): gnomAD 0.00001; TOPMed 0.00001.
gnomAD v4.1: 1 of 1,614,098 alleles (0.000062%); highest among the groups gnomAD compares: Non-Finnish European, 0.000085%; no homozygotes.

Submission:

Labcorp Genetics (formerly Invitae), Labcorp
Classification: Uncertain significance for MHC class II deficiency. Last evaluated: 2022-02-03. Review status: criteria provided, single submitter. Criteria: Invitae Variant Classification Sherloc (09022015). Collection method: clinical testing. Allele origin: germline.
Comment: This sequence change replaces alanine, which is neutral and non-polar, with threonine, which is neutral and polar, at codon 246 of the CIITA protein (p.Ala246Thr). This variant is not present in population databases (gnomAD no frequency). This variant has not been reported in the literature in individuals affected with CIITA-related conditions. ClinVar contains an entry for this variant (Variation ID: 970344). Algorithms developed to predict the effect of missense changes on protein structure and function output the following: SIFT: "Tolerated"; PolyPhen-2: "Benign"; Align-GVGD: "Class C0". The threonine amino acid residue is found in multiple mammalian species, which suggests that this missense change does not adversely affect protein function. In summary, the available evidence is currently insufficient to determine the role of this variant in disease. Therefore, it has been classified as a Variant of Uncertain Significance.

NM_000246.4(CIITA):c.736G>A (p.Ala246Thr)

Gene: CIITA (class II major histocompatibility complex transactivator; plus strand). Cytogenetic location: 16p13.13.
Variant type: single nucleotide variant.
Coding change: c.736G>A on transcript NM_000246.4 (MANE Select); coding-DNA position 736, G replaced by A.
Protein change: p.Ala246Thr; replaces alanine 246 with threonine.
Molecular consequence: missense variant. On other transcripts: non-coding transcript variant (1).
Genome position (GRCh38, 1-based): chr16:10,902,765, G>A. VCF-style: chr16-10902765-G-A. GRCh37 (hg19) VCF-style: chr16-10996622-G-A.
Other names: c.739G>A, p.Ala247Thr (NM_001286402.1, NM_001379332.1); c.589G>A, p.Ala197Thr (NM_001286403.2, NM_001379331.1); c.592G>A, p.Ala198Thr (NM_001379330.1); c.736G>A, p.Ala246Thr (NM_001379333.1); c.667G>A, p.Ala223Thr (NM_001379334.1); short protein forms A247T, A198T, A223T, A246T, A197T.
Identifiers: ClinVar variation 970344 (VCV000970344.7), dbSNP rs1328031438, ClinGen allele CA394728823.